The following is an entry in ClinVar:

NM_000402.4(G6PD):c.1114C>T (p.Leu372Phe)

Gene: G6PD (glucose-6-phosphate dehydrogenase; minus strand). Cytogenetic location: Xq28.
Variant type: single nucleotide variant.
Coding change: c.1114C>T on transcript NM_000402.4; coding-DNA position 1114, C replaced by T.
Protein change: p.Leu372Phe; replaces leucine 372 with phenylalanine.
Molecular consequence: missense variant.
Genome position (GRCh38, 1-based): chrX:154,532,969, G>A on the plus strand (C>T on the coding strand, the complement: G6PD is on the minus strand). VCF-style: chrX-154532969-G-A. GRCh37 (hg19) VCF-style: chrX-153761184-G-A.
Other names: G6PD, LEU342PHE; G6PD Chinese-5; G6PD Mahidol-like; c.1024C>T, p.Leu342Phe (NM_001042351.3, NM_001360016.2); c.1024C>T (NM_001042351.2); short protein forms L342F, L372F.
Identifiers: ClinVar variation 10405 (VCV000010405.30), dbSNP rs137852342, ClinGen allele CA121028.
Genomic context (GRCh38, chrX:154,532,969, plus strand): 5'-TCTGCCTTGCTGGGCCTCGAAGGCATCACCTACCATCCCACCTCTCATTCTCCACATAGA[G>A]GACGACGGCTGCAAAAGTGGCGGTGGTGGACCCGCGGGGCACCGTGGGGTCGTCCAGGTA-3'

ClinVar aggregate classification (germline): Conflicting classifications of pathogenicity. Review status: criteria provided, conflicting classifications (1 of 4 stars). 13 submissions from 13 submitters: Pathogenic (3); Likely pathogenic (5); Uncertain significance (3). 2 of the submissions do not count toward it. Last evaluated 2026-05-30.

Conditions:
G6PD-related disorder. Also called: G6PD-related condition.
Malaria, susceptibility to. Identifiers: Orphanet 673, MedGen C1970028, MONDO:0021024, OMIM 611162.
Anemia, nonspherocytic hemolytic, due to G6PD deficiency (CNSHA1). Also called: Class I glucose-6-phosphate dehydrogenase deficiency; ANEMIA, CONGENITAL, NONSPHEROCYTIC HEMOLYTIC, 1; Hemolytic anemia due to G6PD deficiency; Favism, susceptibility to. Identifiers: Orphanet 466026, MedGen C2720289, MONDO:0010480, OMIM 300908.
G6PD deficiency. Also called: G6PD A-. Identifiers: MedGen C2939465, MONDO:0005775.
G6PD MAHIDOL-LIKE.

Allele frequency attached by ClinVar (database versions not stated): gnomAD exomes 0.00002 and 0.00014; ExAC 0.00016; gnomAD 0.00005 and 0.00003; 1000 Genomes Project 0.00053; 1000 Genomes Project 30x 0.00062; TOPMed 0.00002.
gnomAD v4.1: 26 of 1,210,867 alleles (0.0021%); highest among the groups gnomAD compares: East Asian, 0.071%; no homozygotes.

Submissions (13):

PreventionGenetics, part of Exact Sciences
Classification: Likely pathogenic for G6PD-related condition. Last evaluated: 2026-05-30. Review status: criteria provided, single submitter. Criteria: ACMG Guidelines, 2015. Collection method: clinical testing. Allele origin: germline.
Comment: The G6PD c.1024C>T variant is predicted to result in the amino acid substitution p.Leu342Phe. This variant was reported in many individuals with glucose-6-phosphate dehydrogenase deficiency (Vulliamy et al. 1993. PubMed ID: 8364584; Nuchprayoon et al. 2002. PubMed ID: 11793482; Geck et al. 2023. PubMed ID: 36681081). Multiple publications have reported this variant to result in decreased enzymatic activity (Supplementary Table 3, Geck et al. 2023. PubMed ID: 36681081). This variant is reported in 0.17% of alleles in individuals of East Asian descent in gnomAD. This variant is interpreted as likely pathogenic.

GeneDx
Classification: Pathogenic. Last evaluated: 2024-08-01. Review status: criteria provided, single submitter. Criteria: GeneDx Variant Classification Process June 2021. Collection method: clinical testing. Allele origin: germline. Affected: yes.
Comment: In silico analysis indicates that this missense variant does not alter protein structure/function; This variant is associated with the following publications: (PMID: 38188142, 32552971, 29783823, 34659341, 29251006, 35193651, 34953813, 36681081, 8364584, 34298581, 28376293, 35611242, 36212124, 36353116, 36949502, 28028996, 34134107, 29339739, 34762759, 34895177, 11793482, 36212142)

Labcorp Genetics (formerly Invitae), Labcorp
Classification: Uncertain significance for Anemia, nonspherocytic hemolytic, due to G6PD deficiency. Last evaluated: 2024-06-06. Review status: criteria provided, single submitter. Criteria: Invitae Variant Classification Sherloc (09022015). Collection method: clinical testing. Allele origin: germline.
Comment: This sequence change replaces leucine, which is neutral and non-polar, with phenylalanine, which is neutral and non-polar, at codon 342 of the G6PD protein (p.Leu342Phe). This variant is present in population databases (rs137852342, gnomAD 0.2%), and has an allele count higher than expected for a pathogenic variant. This missense change has been observed in individual(s) with glucose-6-phosphate dehydrogenase deficiency (PMID: 8364584, 10502785, 16329560, 20203002, 30045279, 30315739). This variant is also known as C13184T or Chinese-5. ClinVar contains an entry for this variant (Variation ID: 10405). Advanced modeling of protein sequence and biophysical properties (such as structural, functional, and spatial information, amino acid conservation, physicochemical variation, residue mobility, and thermodynamic stability) has been performed at Invitae for this missense variant, however the output from this modeling did not meet the statistical confidence thresholds required to predict the impact of this variant on G6PD protein function. In summary, the available evidence is currently insufficient to determine the role of this variant in disease. Therefore, it has been classified as a Variant of Uncertain Significance.

Fulgent Genetics
Classification: Likely pathogenic for Anemia, nonspherocytic hemolytic, due to G6PD deficiency; Malaria, susceptibility to. Last evaluated: 2024-05-28. Review status: criteria provided, single submitter. Criteria: ACMG Guidelines, 2015. Collection method: clinical testing. Allele origin: germline.

Women's Health and Genetics/Laboratory Corporation of America, LabCorp
Classification: Pathogenic for G6PD deficiency. Last evaluated: 2024-03-15. Review status: criteria provided, single submitter. Criteria: LabCorp Variant Classification Summary - May 2015. Collection method: clinical testing. Allele origin: germline.
Comment: Variant summary: G6PD c.1114C>T (p.Leu372Phe, also known as Chinese-5) results in a non-conservative amino acid change located in the Glucose-6-phosphate dehydrogenase, C-terminal domain (IPR022675) of the encoded protein sequence. Three of five in-silico tools predict a damaging effect of the variant on protein function. The variant allele was found at a frequency of 0.00014 in 183026 control chromosomes with 7 hemizygotes. This frequency is not significantly higher than estimated for a pathogenic variant in G6PD causing Glucose 6 Phosphate Dehydrogenase Deficiency (0.00014 vs 0.29), allowing no conclusion about variant significance. c.1114C>T has been reported in the literature in many individuals affected with Glucose 6 Phosphate Dehydrogenase Deficiency (example, Wang_2021, Fu_2018). These data indicate that the variant is very likely to be associated with disease. At least 7 studies report experimental evidence evaluating an impact on protein function using hemizygote cells, the average G6PD activity appeared to be 30-40% of normal activity (Geck_2023). The following publications have been ascertained in the context of this evaluation (PMID: 29339739, 36681081, 34659341). ClinVar contains an entry for this variant (Variation ID: 10405). Based on the evidence outlined above, the variant was classified as pathogenic.

Revvity Omics, Revvity
Classification: Likely pathogenic for Anemia, nonspherocytic hemolytic, due to G6PD deficiency. Last evaluated: 2023-12-21. Review status: criteria provided, single submitter. Criteria: ACMG Guidelines, 2015. Collection method: clinical testing. Allele origin: germline.

Dunham Lab, University of Washington
Classification: Pathogenic for Anemia, nonspherocytic hemolytic, due to G6PD deficiency. Last evaluated: 2022-08-12. Review status: criteria provided, single submitter. Criteria: Bayesian ACMG Guidelines, 2018. Collection method: curation. Allele origin: inherited. Affected: yes.
Comment: Variant found in unrelated hemizygotes with deficiency, some with anemia (PS4_M, PP4). Also found in two heterozygous sisters with deficiency who inherited this variant (c.1024C>T) from father and c.383T>C from mother (PP1). Decreased activity in red blood cells (2-39%) (PS3). Below expected carrier frequency in gnomAD (PM2). Post_P 0.994 (odds of pathogenicity 1517, Prior_P 0.1).

Mendelics
Classification: Uncertain significance for Anemia, nonspherocytic hemolytic, due to G6PD deficiency. Last evaluated: 2019-05-28. Review status: criteria provided, single submitter. Criteria: Mendelics Assertion Criteria 2017. Collection method: clinical testing. Allele origin: unknown.

ARUP Laboratories, Molecular Genetics and Genomics, ARUP Laboratories
Classification: Likely pathogenic. Last evaluated: 2017-07-28. Review status: criteria provided, single submitter. Criteria: ARUP Molecular Germline Variant Investigation Process. Collection method: clinical testing. Allele origin: germline.

Eurofins Ntd Llc (ga)
Classification: Uncertain significance. Last evaluated: 2012-12-17. Review status: criteria provided, single submitter. Criteria: EGL Classification Definitions 2015. Collection method: clinical testing. Allele origin: germline. Observed: 1 variant allele, 1 heterozygote.

Juno Genomics, Hangzhou Juno Genomics, Inc
Classification: Likely pathogenic for Malaria, susceptibility to; Anemia, nonspherocytic hemolytic, due to G6PD deficiency. Review status: criteria provided, single submitter. Criteria: ACMG Guidelines, 2015. Collection method: clinical testing. Allele origin: germline.
Comment: The prevalence of the variant in affected individuals is significantly increased compared to the prevalence in controls.;Patient's phenotype or family history is highly specific for a disease with a single genetic etiology.;Well-established in vitro or in vivo functional studies supportive of a damaging effect on the gene or gene product.

Precision Medicine Lab Center, Yangjiang People's Hospital
Classification: Pathogenic for Anemia, nonspherocytic hemolytic, due to G6PD deficiency. Last evaluated: 2024-08-21. Review status: no assertion criteria provided. Collection method: clinical testing. Allele origin: germline. Affected: yes. Observed: 7 variant alleles. Not counted in ClinVar's aggregate classification.
Comment: This mutation results in the substitution of Asp with Asn at amino acid position 342. Classified as a missense mutation, it may affect the enzyme's stability or activity. In 2022, WHO adopted a 20%, 45% and 60% of NMM as thresholds for clinical manifestations of hemolysis, acute factor-induced hemolysis and no hemolysis, respectively. The G6PD/6PGD ratios of the five female saples were 0.8, 1, 0.73, 1.16 and 1.24 (Reference ratio: >1). However, the G6PD gene is located on the X chromosome, leading to variable expression levels of G6PD enzyme in females with G6PD gene deficiency.

OMIM
Classification: other for G6PD MAHIDOL-LIKE. Last evaluated: 2013-04-18. Review status: no assertion criteria provided. Collection method: literature only. Allele origin: germline. Not counted in ClinVar's aggregate classification.

Literature cited by the submitters: PubMed 8364584 (cited by Labcorp Genetics (formerly Invitae), Labcorp); PubMed 10502785 (cited by Labcorp Genetics (formerly Invitae), Labcorp and Dunham Lab, University of Washington); PubMed 16329560 (cited by Labcorp Genetics (formerly Invitae), Labcorp and Dunham Lab, University of Washington); PubMed 20203002 (cited by Labcorp Genetics (formerly Invitae), Labcorp); PubMed 30045279 (cited by Labcorp Genetics (formerly Invitae), Labcorp and Dunham Lab, University of Washington); PubMed 30315739 (cited by Labcorp Genetics (formerly Invitae), Labcorp); PubMed 29339739 (cited by Women's Health and Genetics/Laboratory Corporation of America, LabCorp); PubMed 36681081 (cited by Women's Health and Genetics/Laboratory Corporation of America, LabCorp); PubMed 34659341 (cited by Women's Health and Genetics/Laboratory Corporation of America, LabCorp); PubMed 16927025 (cited by Dunham Lab, University of Washington); PubMed 11793482 (cited by Dunham Lab, University of Washington); PubMed 8471773 (cited by Dunham Lab, University of Washington and OMIM); PubMed 25541721 (cited by Dunham Lab, University of Washington); PubMed 16607506 (cited by Dunham Lab, University of Washington); PubMed 31489982 (cited by Dunham Lab, University of Washington).